The following is an entry in ClinVar:

NM_002529.4(NTRK1):c.1302G>A (p.Thr434=)

Gene: NTRK1 (neurotrophic receptor tyrosine kinase 1; plus strand). Cytogenetic location: 1q23.1.
Variant type: single nucleotide variant.
Coding change: c.1302G>A on transcript NM_002529.4 (MANE Select); coding-DNA position 1302, G replaced by A.
Protein change: p.Thr434=; no amino-acid change (threonine 434 retained).
Molecular consequence: synonymous variant.
Genome position (GRCh38, 1-based): chr1:156,874,956, G>A. VCF-style: chr1-156874956-G-A. GRCh37 (hg19) VCF-style: chr1-156844748-G-A.
Other names: c.1194G>A, p.Thr398= (NM_001007792.1); c.1284G>A, p.Thr428= (NM_001012331.2); c.1302G>A (NM_002529.3).
Identifiers: ClinVar variation 916213 (VCV000916213.49), dbSNP rs767104704, ClinGen allele CA1169276.

ClinVar aggregate classification (germline): Likely benign. Review status: criteria provided, multiple submitters, no conflicts (2 of 4 stars). 4 submissions from 4 submitters: Likely benign (3). 1 of the submissions does not count toward it. Last evaluated 2025-06-02.

Conditions:
NTRK1-related disorder. Also called: NTRK1-related condition.
Hereditary insensitivity to pain with anhidrosis (CIPA). Also called: NTRK1 Congenital Insensitivity to Pain with Anhidrosis; INSENSITIVITY TO PAIN, CONGENITAL, WITH ANHIDROSIS; NEUROPATHY, CONGENITAL SENSORY, WITH ANHIDROSIS; HSAN Type IV; hereditary sensory and autonomic neuropathy type 4; FAMILIAL DYSAUTONOMIA, TYPE II. Identifiers: Orphanet 642, MedGen C0020074, MONDO:0009746, OMIM 256800.

Allele frequency attached by ClinVar (database versions not stated): gnomAD 0.00001 and 0.00002.
gnomAD v4.1: 57 of 1,613,842 alleles (0.0035%); highest among the groups gnomAD compares: Middle Eastern, 0.049%; no homozygotes.

Submissions (4):

Labcorp Genetics (formerly Invitae), Labcorp
Classification: Likely benign for Hereditary insensitivity to pain with anhidrosis. Last evaluated: 2025-06-02. Review status: criteria provided, single submitter. Criteria: Invitae Variant Classification Sherloc (09022015). Collection method: clinical testing. Allele origin: germline.

Genome-Nilou Lab
Classification: Likely benign for Hereditary insensitivity to pain with anhidrosis. Last evaluated: 2023-04-11. Review status: criteria provided, single submitter. Criteria: ACMG Guidelines, 2015. Collection method: clinical testing. Allele origin: germline. Affected: no.

CeGaT Center for Human Genetics Tuebingen
Classification: Likely benign. Last evaluated: 2020-02-01. Review status: criteria provided, single submitter. Criteria: CeGaT Center For Human Genetics Tuebingen Variant Classification Criteria Version 2. Collection method: clinical testing. Allele origin: germline. Affected: yes. Observed: 1 variant allele.

PreventionGenetics, part of Exact Sciences
Classification: Likely benign for NTRK1-related condition. Last evaluated: 2019-07-29. Review status: no assertion criteria provided. Collection method: clinical testing. Allele origin: germline. Not counted in ClinVar's aggregate classification.
Comment: This variant is classified as likely benign based on ACMG/AMP sequence variant interpretation guidelines (Richards et al. 2015 PMID: 25741868, with internal and published modifications).